The following is an entry in ClinVar:

ClinVar aggregate classification (germline): Conflicting classifications of pathogenicity. Review status: criteria provided, conflicting classifications (1 of 4 stars). 2 submissions from 2 submitters: Likely pathogenic (1); Uncertain significance (1). Last evaluated 2025-11-10.

Conditions:
Autosomal recessive polycystic kidney disease (ARPKD). Also called: AR polycystic kidney disease. Identifiers: Orphanet 731, Orphanet 8378, MedGen C0085548, MeSH D017044, MONDO:0009889.

Allele frequency attached by ClinVar (database versions not stated): gnomAD exomes below 0.00001.
gnomAD v4.1: 1 of 1,612,354 alleles (0.000062%); highest among the groups gnomAD compares: Non-Finnish European, 0.000085%; no homozygotes.

Submissions (2):

Natera, Inc.
Classification: Likely pathogenic for Autosomal recessive polycystic kidney disease. Last evaluated: 2025-11-10. Review status: criteria provided, single submitter. Criteria: Natera Variant Classification Schema (03/2026). Collection method: clinical testing. Allele origin: germline.
Comment: The c.8302+5G>A variant in PKHD1 is an intronic variant located outside the canonical splice sites. This variant is rare in the general population with a frequency below the threshold expected for the associated phenotype(s). This variant has been observed in one or more individuals affected with the associated recessive disease, as either homozygous or compound heterozygous with a second variant (PMID: 37635794). Functional studies show that this variant may disrupt protein function (PMID: 39521997). Computational prediction algorithms indicate this variant is likely to affect gene or protein function. Given the available evidence, this variant is classified as Likely Pathogenic.

Eurofins Ntd Llc (ga)
Classification: Uncertain significance. Last evaluated: 2018-09-14. Review status: criteria provided, single submitter. Criteria: EGL ClinVar v180209 classification definitions. Collection method: clinical testing. Allele origin: germline. Observed: 2 variant alleles, 2 heterozygotes.

Literature cited by the submitters: PubMed 37635794 (cited by Natera, Inc.); PubMed 39521997 (cited by Natera, Inc.).

NM_138694.4(PKHD1):c.8302+5G>A

Gene: PKHD1 (PKHD1 ciliary IPT domain containing fibrocystin/polyductin; minus strand). Cytogenetic location: 6p12.2.
Variant type: single nucleotide variant.
Coding change: c.8302+5G>A on transcript NM_138694.4 (MANE Select); 5 bases into the intron after coding-DNA position 8302, G replaced by A.
Molecular consequence: intron variant.
Genome position (GRCh38, 1-based): chr6:51,830,856, C>T on the plus strand (G>A on the coding strand, the complement: PKHD1 is on the minus strand). VCF-style: chr6-51830856-C-T. GRCh37 (hg19) VCF-style: chr6-51695654-C-T.
Other names: c.8302+5G>A (NM_170724.3, NM_138694.3).
Identifiers: ClinVar variation 497687 (VCV000497687.6), dbSNP rs1554263049, ClinGen allele CA658796771.